The following is an entry in ClinVar:

ClinVar aggregate classification (germline): Likely benign. Review status: criteria provided, multiple submitters, no conflicts (2 of 4 stars). 4 submissions from 4 submitters: Likely benign (3). 1 of the submissions does not count toward it. Last evaluated 2023-11-02.

Conditions:
Methylmalonic aciduria due to complete methylmalonyl-CoA mutase deficiency.
Methylmalonic aciduria due to methylmalonyl-CoA mutase deficiency (MAMM). Also called: Methylmalonic aciduria, mut type. Identifiers: Orphanet 27, MedGen C1855114, MONDO:0009612, OMIM 251000.

Allele frequency attached by ClinVar (database versions not stated): gnomAD 0.00001 and 0.00004; gnomAD exomes 0.00004 and 0.00010; TOPMed below 0.00001; ExAC 0.00009; 1000 Genomes Project 30x 0.00016; 1000 Genomes Project 0.00020.
gnomAD v4.1: 60 of 1,602,670 alleles (0.0037%); highest among the groups gnomAD compares: South Asian, 0.053%; no homozygotes.

Submissions (4):

Labcorp Genetics (formerly Invitae), Labcorp
Classification: Likely benign. Last evaluated: 2023-11-02. Review status: criteria provided, single submitter. Criteria: Invitae Variant Classification Sherloc (09022015). Collection method: clinical testing. Allele origin: germline.

Fulgent Genetics
Classification: Likely benign for Methylmalonic aciduria due to methylmalonyl-CoA mutase deficiency. Last evaluated: 2021-12-03. Review status: criteria provided, single submitter. Criteria: ACMG Guidelines, 2015. Collection method: clinical testing. Allele origin: unknown.

GeneDx
Classification: Likely benign. Last evaluated: 2017-01-31. Review status: criteria provided, single submitter. Criteria: GeneDx Variant Classification (06012015). Collection method: clinical testing. Allele origin: germline. Affected: yes.
Comment: This variant is considered likely benign or benign based on one or more of the following criteria: it is a conservative change, it occurs at a poorly conserved position in the protein, it is predicted to be benign by multiple in silico algorithms, and/or has population frequency not consistent with disease.

Natera, Inc.
Classification: Likely benign for Methylmalonic aciduria due to complete methylmalonyl-CoA mutase deficiency. Last evaluated: 2020-09-16. Review status: no assertion criteria provided. Collection method: clinical testing. Allele origin: germline. Not counted in ClinVar's aggregate classification.

NM_000255.4(MMUT):c.423G>A (p.Ala141=)

Gene: MMUT (methylmalonyl-CoA mutase; minus strand). Cytogenetic location: 6p12.3.
Variant type: single nucleotide variant.
Coding change: c.423G>A on transcript NM_000255.4 (MANE Select); coding-DNA position 423, G replaced by A.
Protein change: p.Ala141=; no amino-acid change (alanine 141 retained).
Molecular consequence: synonymous variant.
Genome position (GRCh38, 1-based): chr6:49,458,021, C>T on the plus strand (G>A on the coding strand, the complement: MMUT is on the minus strand). VCF-style: chr6-49458021-C-T. GRCh37 (hg19) VCF-style: chr6-49425734-C-T.
Identifiers: ClinVar variation 506861 (VCV000506861.12), dbSNP rs547142339, ClinGen allele CA3847111.
Genomic context (GRCh38, chr6:49,458,021, plus strand): 5'-TCCAGCCATTCCAACATCACCACGAACTCGAGGGTTGTCTGAATCATAGCCACGATGTGT[C>T]GCCAGATCAAAGGCAACTGATAATCCCTGCTGACCAGCTAAATATATAAAGAAAAATAAT-3'
Protein context (NP_000246.2, residues 131-151): QQGLSVAFDL[Ala141=]THRGYDSDNP